The following is an entry in ClinVar:

NM_006904.7(PRKDC):c.3343C>A (p.His1115Asn)

Gene: PRKDC (protein kinase, DNA-activated, catalytic subunit; minus strand). Cytogenetic location: 8q11.21.
Variant type: single nucleotide variant.
Coding change: c.3343C>A on transcript NM_006904.7 (MANE Select); coding-DNA position 3343, C replaced by A.
Protein change: p.His1115Asn; replaces histidine 1115 with asparagine.
Molecular consequence: missense variant.
Genome position (GRCh38, 1-based): chr8:47,900,394, G>T on the plus strand (C>A on the coding strand, the complement: PRKDC is on the minus strand). VCF-style: chr8-47900394-G-T. GRCh37 (hg19) VCF-style: chr8-48812954-G-T.
Other names: c.3343C>A, p.His1115Asn (NM_001081640.2); short protein forms H1115N.
Identifiers: ClinVar variation 3425213 (VCV003425213.1).

ClinVar aggregate classification (germline): Uncertain significance (1 of 4 stars; one submission).

gnomAD v4.1: 3 of 1,610,316 alleles (0.00019%); highest among the groups gnomAD compares: Non-Finnish European, 0.00025%; no homozygotes.

Submission:

Ambry Genetics
Classification: Uncertain significance. Last evaluated: 2024-08-30. Review status: criteria provided, single submitter. Criteria: Ambry Variant Classification Scheme 2023. Collection method: clinical testing. Allele origin: germline.
Comment: The p.H1115N variant (also known as c.3343C>A), located in coding exon 28 of the PRKDC gene, results from a C to A substitution at nucleotide position 3343. The histidine at codon 1115 is replaced by asparagine, an amino acid with similar properties. This amino acid position is conserved. In addition, this alteration is predicted to be tolerated by in silico analysis. Based on the available evidence, the clinical significance of this variant remains unclear.